The following is an entry in ClinVar:

NM_001012759.3(CTU2):c.101C>A (p.Ala34Glu)

Gene: CTU2 (cytosolic thiouridylase subunit 2; plus strand). Cytogenetic location: 16q24.3.
Variant type: single nucleotide variant.
Coding change: c.101C>A on transcript NM_001012759.3 (MANE Select); coding-DNA position 101, C replaced by A.
Protein change: p.Ala34Glu; replaces alanine 34 with glutamic acid.
Molecular consequence: missense variant. On other transcripts: 5 prime UTR variant (1).
Genome position (GRCh38, 1-based): chr16:88,707,168, C>A. VCF-style: chr16-88707168-C-A. GRCh37 (hg19) VCF-style: chr16-88773576-C-A.
Other names: c.101C>A, p.Ala34Glu (NM_001012762.3, NM_001318507.2); c.-82C>A (NM_001318513.2); short protein forms A34E.
Identifiers: ClinVar variation 4977055 (VCV004977055.1).

ClinVar aggregate classification (germline): Uncertain significance (1 of 4 stars; one submission).

Conditions:
CTU2-related disorder. Also called: CTU2-related condition.

gnomAD v4.1: 6 of 1,613,832 alleles (0.00037%); highest among the groups gnomAD compares: African/African-American, 0.0053%; no homozygotes.

Submission:

PreventionGenetics, part of Exact Sciences
Classification: Uncertain significance for CTU2-related condition. Last evaluated: 2026-06-21. Review status: criteria provided, single submitter. Criteria: ACMG Guidelines, 2015. Collection method: clinical testing. Allele origin: germline.
Comment: The CTU2 c.101C>A variant is predicted to result in the amino acid substitution p.Ala34Glu. To our knowledge, this variant has not been reported in the literature. This variant is reported in 0.0062% of alleles in individuals of African descent in gnomAD. At this time, the clinical significance of this variant is uncertain due to the absence of conclusive functional and genetic evidence.